The following is an entry in ClinVar:

ClinVar aggregate classification (germline): Uncertain significance (1 of 4 stars; one submission).

Conditions:
Familial cancer of breast. Also called: Hereditary breast cancer; hereditary breast carcinoma; BREAST CANCER, FAMILIAL. Identifiers: Orphanet 227535, MedGen C0346153, MONDO:0016419, OMIM 114480. Disease mechanism: loss of function.
Fanconi anemia complementation group J. Also called: BRIP1-Related Fanconi Anemia. Identifiers: Orphanet 84, MedGen C1836860, MONDO:0012187, OMIM 609054.

Submission:

Labcorp Genetics (formerly Invitae), Labcorp
Classification: Uncertain significance for Familial cancer of breast; Fanconi anemia complementation group J. Last evaluated: 2019-11-14. Review status: criteria provided, single submitter. Criteria: Invitae Variant Classification Sherloc (09022015). Collection method: clinical testing. Allele origin: germline.
Comment: This sequence change replaces glycine with valine at codon 615 of the BRIP1 protein (p.Gly615Val). The glycine residue is highly conserved and there is a moderate physicochemical difference between glycine and valine. This variant is not present in population databases (ExAC no frequency). This variant has not been reported in the literature in individuals with BRIP1-related conditions. Algorithms developed to predict the effect of missense changes on protein structure and function (SIFT, PolyPhen-2, Align-GVGD) all suggest that this variant is likely to be disruptive, but these predictions have not been confirmed by published functional studies and their clinical significance is uncertain. In summary, the available evidence is currently insufficient to determine the role of this variant in disease. Therefore, it has been classified as a Variant of Uncertain Significance.

NM_032043.3(BRIP1):c.1844G>T (p.Gly615Val)

Gene: BRIP1 (BRCA1 interacting DNA helicase 1; minus strand). Cytogenetic location: 17q23.2.
Variant type: single nucleotide variant.
Coding change: c.1844G>T on transcript NM_032043.3 (MANE Select); coding-DNA position 1844, G replaced by T.
Protein change: p.Gly615Val; replaces glycine 615 with valine.
Molecular consequence: missense variant.
Genome position (GRCh38, 1-based): chr17:61,780,352, C>A on the plus strand (G>T on the coding strand, the complement: BRIP1 is on the minus strand). VCF-style: chr17-61780352-C-A. GRCh37 (hg19) VCF-style: chr17-59857713-C-A.
Other names: short protein forms G615V.
Identifiers: ClinVar variation 955159 (VCV000955159.10), dbSNP rs2077597056, ClinGen allele CA400480129.